The following is an entry in ClinVar:

NM_017777.4(MKS1):c.398G>C (p.Arg133Thr)

Gene: MKS1 (MKS transition zone complex subunit 1; minus strand). Cytogenetic location: 17q22.
Variant type: single nucleotide variant.
Coding change: c.398G>C on transcript NM_017777.4 (MANE Select); coding-DNA position 398, G replaced by C.
Protein change: p.Arg133Thr; replaces arginine 133 with threonine.
Molecular consequence: missense variant. On other transcripts: 5 prime UTR variant (1).
Genome position (GRCh38, 1-based): chr17:58,216,107, C>G on the plus strand (G>C on the coding strand, the complement: MKS1 is on the minus strand). VCF-style: chr17-58216107-C-G. GRCh37 (hg19) VCF-style: chr17-56293468-C-G.
Other names: c.-114G>C (NM_001321268.2); c.398G>C, p.Arg133Thr (NM_001321269.2, NM_001330397.2); short protein forms R133T.
Identifiers: ClinVar variation 1379752 (VCV001379752.8), dbSNP rs2143819004, ClinGen allele CA400327369.

ClinVar aggregate classification (germline): Uncertain significance (1 of 4 stars; one submission).

Conditions:
Joubert syndrome. Also called: CEREBELLOPARENCHYMAL DISORDER IV; JOUBERT-BOLTSHAUSER SYNDROME; Familial aplasia of the vermis. Identifiers: Orphanet 475, MedGen C5979921, MONDO:0018772.
Meckel-Gruber syndrome. Also called: DYSENCEPHALIA SPLANCHNOCYSTICA; GRUBER SYNDROME; Dysencephalia splachnocystica. Identifiers: Orphanet 564, MedGen C0265215, MONDO:0018921.

Submission:

Labcorp Genetics (formerly Invitae), Labcorp
Classification: Uncertain significance for Joubert syndrome; Meckel-Gruber syndrome. Last evaluated: 2021-07-04. Review status: criteria provided, single submitter. Criteria: Invitae Variant Classification Sherloc (09022015). Collection method: clinical testing. Allele origin: germline.
Comment: In summary, the available evidence is currently insufficient to determine the role of this variant in disease. Therefore, it has been classified as a Variant of Uncertain Significance. This sequence change replaces arginine with threonine at codon 133 of the MKS1 protein (p.Arg133Thr). The arginine residue is highly conserved and there is a moderate physicochemical difference between arginine and threonine. This variant is not present in population databases (ExAC no frequency). This variant has not been reported in the literature in individuals affected with MKS1-related conditions. Algorithms developed to predict the effect of missense changes on protein structure and function are either unavailable or do not agree on the potential impact of this missense change (SIFT: "Tolerated"; PolyPhen-2: "Possibly Damaging"; Align-GVGD: "Class C0").